The following is an entry in ClinVar:

ClinVar aggregate classification (germline): Uncertain significance (1 of 4 stars; one submission).

Conditions:
Cardiovascular phenotype. Identifiers: MedGen CN230736.

gnomAD v4.1: 1 of 1,614,018 alleles (0.000062%); highest among the groups gnomAD compares: Non-Finnish European, 0.000085%; no homozygotes.

Submission:

Ambry Genetics
Classification: Uncertain significance for Cardiovascular phenotype. Last evaluated: 2021-12-14. Review status: criteria provided, single submitter. Criteria: Ambry Variant Classification Scheme 2023. Collection method: clinical testing. Allele origin: germline.
Comment: The p.R1671G variant (also known as c.5011C>G), located in coding exon 37 of the RYR2 gene, results from a C to G substitution at nucleotide position 5011. The arginine at codon 1671 is replaced by glycine, an amino acid with dissimilar properties. This amino acid position is highly conserved in available vertebrate species. In addition, this alteration is predicted to be deleterious by in silico analysis. Since supporting evidence is limited at this time, the clinical significance of this alteration remains unclear.

NM_001035.3(RYR2):c.5011C>G (p.Arg1671Gly)

Gene: RYR2 (ryanodine receptor 2; plus strand). Cytogenetic location: 1q43.
Variant type: single nucleotide variant.
Coding change: c.5011C>G on transcript NM_001035.3 (MANE Select); coding-DNA position 5011, C replaced by G.
Protein change: p.Arg1671Gly; replaces arginine 1671 with glycine.
Molecular consequence: missense variant.
Genome position (GRCh38, 1-based): chr1:237,614,139, C>G. VCF-style: chr1-237614139-C-G. GRCh37 (hg19) VCF-style: chr1-237777439-C-G.
Other names: short protein forms R1671G.
Identifiers: ClinVar variation 1744767 (VCV001744767.2), dbSNP rs747404408, ClinGen allele CA345403826.